The following is an entry in ClinVar:

ClinVar aggregate classification (germline): Uncertain significance (0 of 4 stars; one submission).

Conditions:
SIM1-related disorder. Also called: SIM1-related condition; SIM1-related disorders.

gnomAD v4.1: 11 of 1,613,954 alleles (0.00068%); highest among the groups gnomAD compares: Middle Eastern, 0.016%; no homozygotes.

Submission:

PreventionGenetics, part of Exact Sciences
Classification: Uncertain significance for SIM1-related condition. Last evaluated: 2024-04-08. Review status: no assertion criteria provided. Collection method: clinical testing. Allele origin: germline.
Comment: The SIM1 c.1988C>T variant is predicted to result in the amino acid substitution p.Ser663Leu. This variant was reported as a variant of uncertain significance in one individual with severe obesity (Mohammed et al. 2023. PubMed ID: 37329217). This variant is reported in 0.0033% of alleles in individuals of South Asian descent in gnomAD. At this time, the clinical significance of this variant is uncertain due to the absence of conclusive functional and genetic evidence.

NM_005068.3(SIM1):c.1988C>T (p.Ser663Leu)

Gene: SIM1 (SIM bHLH transcription factor 1; minus strand). Cytogenetic location: 6q16.3.
Variant type: single nucleotide variant.
Coding change: c.1988C>T on transcript NM_005068.3 (MANE Select); coding-DNA position 1988, C replaced by T.
Protein change: p.Ser663Leu; replaces serine 663 with leucine.
Molecular consequence: missense variant.
Genome position (GRCh38, 1-based): chr6:100,390,674, G>A on the plus strand (C>T on the coding strand, the complement: SIM1 is on the minus strand). VCF-style: chr6-100390674-G-A. GRCh37 (hg19) VCF-style: chr6-100838550-G-A.
Other names: c.1988C>T, p.Ser663Leu (NM_001374769.1); short protein forms S663L.
Identifiers: ClinVar variation 3349713 (VCV003349713.1).